The following is an entry in ClinVar:

ClinVar aggregate classification (germline): Likely benign. Review status: criteria provided, multiple submitters, no conflicts (2 of 4 stars). 4 submissions from 4 submitters: Likely benign (4). Last evaluated 2025-09-16.

Conditions:
Arrhythmogenic right ventricular cardiomyopathy (ARVD). Also called: Arrhythmogenic cardiomyopathy; Arrhythmogenic Right Ventricular Cardiomyopathy (ARVC); Cardiomyopathy, ARVC; Arrhythmogenic right ventricular dysplasia. Identifiers: Orphanet 247, MedGen C0349788, MeSH D019571, MONDO:0016587. Disease mechanism: loss of function. Inheritance: Various modes of inheritance.
Cardiomyopathy (CMYO). Also called: Cardiomyopathies. Identifiers: Orphanet 167848, MedGen C0878544, MONDO:0004994, HP:0001638. Inheritance: Various modes of inheritance.
Arrhythmogenic right ventricular dysplasia 9 (ARVD9). Also called: Arrhythmogenic Right Ventricular Dysplasia/Cardiomyopathy 9; ARRHYTHMOGENIC RIGHT VENTRICULAR DYSPLASIA, FAMILIAL, 9. Identifiers: MedGen C1836906, MONDO:0012180, OMIM 609040.

Allele frequency attached by ClinVar (database versions not stated): gnomAD exomes below 0.00001; TOPMed below 0.00001; gnomAD 0.00001.
gnomAD v4.1: 2 of 1,613,358 alleles (0.00012%); highest among the groups gnomAD compares: Non-Finnish European, 0.00017%; no homozygotes.

Submissions (4):

Labcorp Genetics (formerly Invitae), Labcorp
Classification: Likely benign for Arrhythmogenic right ventricular dysplasia 9. Last evaluated: 2025-09-16. Review status: criteria provided, single submitter. Criteria: Invitae Variant Classification Sherloc (09022015). Collection method: clinical testing. Allele origin: germline.

All of Us Research Program, National Institutes of Health
Classification: Likely benign for Arrhythmogenic right ventricular cardiomyopathy. Last evaluated: 2023-11-20. Review status: criteria provided, single submitter. Criteria: ACMG Guidelines, 2015. Collection method: clinical testing. Allele origin: germline. Inheritance: Autosomal dominant inheritance. Observed: 1 variant allele, 1 heterozygote.
Comment: This study involves interpretation of variants in research participants for the purpose of population health screening. Participant phenotype was not available at the time of variant classification. Additional details can be found in publication PMID: 35346344, PMCID: PMC8962531

Color Diagnostics, LLC DBA Color Health
Classification: Likely benign for Cardiomyopathy. Last evaluated: 2019-10-29. Review status: criteria provided, single submitter. Criteria: ACMG Guidelines, 2015. Collection method: clinical testing. Allele origin: germline.

GeneDx
Classification: Likely benign. Last evaluated: 2018-05-08. Review status: criteria provided, single submitter. Criteria: GeneDx Variant Classification Process June 2021. Collection method: clinical testing. Allele origin: germline. Affected: yes.

NM_001005242.3(PKP2):c.2014-7A>G

Gene: PKP2 (plakophilin 2; minus strand). Cytogenetic location: 12p11.21.
Variant type: single nucleotide variant.
Coding change: c.2014-7A>G on transcript NM_001005242.3 (MANE Select); 7 bases into the intron before coding-DNA position 2014, A replaced by G.
Molecular consequence: intron variant.
Genome position (GRCh38, 1-based): chr12:32,802,563, T>C on the plus strand (A>G on the coding strand, the complement: PKP2 is on the minus strand). VCF-style: chr12-32802563-T-C. GRCh37 (hg19) VCF-style: chr12-32955497-T-C.
Other names: c.2146-7A>G (NM_004572.4).
Identifiers: ClinVar variation 512220 (VCV000512220.14), dbSNP rs1555141645, ClinGen allele CA658797873.